The following is an entry in ClinVar:

NM_001284259.2(KIF20B):c.3007A>G (p.Asn1003Asp)

Gene: KIF20B (kinesin family member 20B; plus strand). Cytogenetic location: 10q23.31.
Variant type: single nucleotide variant.
Coding change: c.3007A>G on transcript NM_001284259.2 (MANE Select); coding-DNA position 3007, A replaced by G.
Protein change: p.Asn1003Asp; replaces asparagine 1003 with aspartic acid.
Molecular consequence: missense variant. On other transcripts: non-coding transcript variant (2).
Genome position (GRCh38, 1-based): chr10:89,737,848, A>G. VCF-style: chr10-89737848-A-G. GRCh37 (hg19) VCF-style: chr10-91497605-A-G.
Other names: NC_000010.10:g.91497605A>G; c.2794A>G, p.Asn932Asp (NM_001382506.1); c.2887A>G, p.Asn963Asp (NM_016195.4); short protein forms N1003D, N932D, N963D.
Identifiers: ClinVar variation 2640670 (VCV002640670.25), dbSNP rs34999049, ClinGen allele CA5597023.

ClinVar aggregate classification (germline): Likely benign (1 of 4 stars; one submission).

Allele frequency attached by ClinVar (database versions not stated): 1000 Genomes Project 30x 0.00125; 1000 Genomes Project 0.00160; TOPMed 0.00197; gnomAD 0.00235; ESP Exome Variant Server 0.00238; gnomAD exomes 0.00271; ExAC 0.00297.
gnomAD v4.1: 4,299 of 1,613,538 alleles (0.27%); highest among the groups gnomAD compares: Non-Finnish European, 0.31%; 6 homozygotes.

Submissions (4):

CeGaT Center for Human Genetics Tuebingen
Classification: Likely benign. Last evaluated: 2023-04-01. Review status: criteria provided, single submitter. Criteria: CeGaT Center For Human Genetics Tuebingen Variant Classification Criteria Version 2. Collection method: clinical testing. Allele origin: germline. Affected: yes. Observed: 1 variant allele.
Comment: KIF20B: BP4, BS2

Dr. Peter K. Rogan Lab, Western University
No classification provided (evidence only). Condition: Gastric cancer. Review status: no classification provided. Collection method: in vitro. Allele origin: not applicable. Functional consequence: retained intron. Not counted in ClinVar's aggregate classification.

Dr. Peter K. Rogan Lab, Western University
No classification provided (evidence only). Condition: Gastric cancer. Review status: no classification provided. Collection method: in vitro. Allele origin: not applicable. Functional consequence: retained intron. Not counted in ClinVar's aggregate classification.

Dr. Peter K. Rogan Lab, Western University
No classification provided (evidence only). Condition: Gastric cancer. Review status: no classification provided. Collection method: in vitro. Allele origin: not applicable. Functional consequence: retained intron. Not counted in ClinVar's aggregate classification.